The following is an entry in ClinVar:

ClinVar aggregate classification (germline): Uncertain significance (1 of 4 stars; one submission).

gnomAD v4.1: 12 of 1,552,880 alleles (0.00077%); highest among the groups gnomAD compares: African/African-American, 0.0028%; no homozygotes.

Submission:

Labcorp Genetics (formerly Invitae), Labcorp
Classification: Uncertain significance. Last evaluated: 2022-02-11. Review status: criteria provided, single submitter. Criteria: Invitae Variant Classification Sherloc (09022015). Collection method: clinical testing. Allele origin: germline.
Comment: This variant has not been reported in the literature in individuals affected with ABHD5-related conditions. In summary, the available evidence is currently insufficient to determine the role of this variant in disease. Therefore, it has been classified as a Variant of Uncertain Significance. Variants that disrupt the consensus splice site are a relatively common cause of aberrant splicing (PMID: 17576681, 9536098). Algorithms developed to predict the effect of sequence changes on RNA splicing suggest that this variant is not likely to affect RNA splicing. The frequency data for this variant in the population databases is considered unreliable, as metrics indicate poor data quality at this position in the gnomAD database. This sequence change falls in intron 1 of the ABHD5 gene. It does not directly change the encoded amino acid sequence of the ABHD5 protein. It affects a nucleotide within the consensus splice site.

Literature cited by the submitters: PubMed 17576681; PubMed 9536098.

NM_016006.6(ABHD5):c.47+6C>T

Genes: ABHD5 (abhydrolase domain containing 5, lysophosphatidic acid acyltransferase; plus strand), ANO10 (anoctamin 10; minus strand). Cytogenetic location: 3p21.33.
Variant type: single nucleotide variant.
Coding change: c.47+6C>T on transcript NM_016006.6 (MANE Select); 6 bases into the intron after coding-DNA position 47, C replaced by T.
Molecular consequence: intron variant.
Genome position (GRCh38, 1-based): chr3:43,691,045, C>T. VCF-style: chr3-43691045-C-T. GRCh37 (hg19) VCF-style: chr3-43732537-C-T.
Other names: c.-12+472G>A (NM_001346469.2, NM_001346468.2); c.47+6C>T (NM_001365650.1, NM_001355186.2).
Identifiers: ClinVar variation 1988625 (VCV001988625.3), dbSNP rs758577205, ClinGen allele CA2341232.